The following is an entry in ClinVar:

NM_001370298.3(FGD4):c.2249A>C (p.Asp750Ala)

Gene: FGD4 (FYVE, RhoGEF and PH domain containing 4; plus strand). Cytogenetic location: 12p11.21.
Variant type: single nucleotide variant.
Coding change: c.2249A>C on transcript NM_001370298.3 (MANE Select); coding-DNA position 2249, A replaced by C.
Protein change: p.Asp750Ala; replaces aspartic acid 750 with alanine.
Molecular consequence: missense variant.
Genome position (GRCh38, 1-based): chr12:32,633,625, A>C. VCF-style: chr12-32633625-A-C. GRCh37 (hg19) VCF-style: chr12-32786559-A-C.
Other names: c.2093A>C, p.Asp698Ala (NM_001304481.2); c.1094A>C, p.Asp365Ala (NM_001304483.2); c.806A>C, p.Asp269Ala (NM_001304484.2); c.1559A>C, p.Asp520Ala (NM_001330373.2, NM_001330374.2, NM_001384130.1); c.1286A>C, p.Asp429Ala (NM_001370297.1); c.2249A>C, p.Asp750Ala (NM_001384126.1); c.1838A>C, p.Asp613Ala (NM_001384127.1, NM_001384128.1, NM_001385118.1 and 1 more transcripts); short protein forms D429A, D520A, D698A, D269A, D365A, D613A, D750A.
Identifiers: ClinVar variation 953577 (VCV000953577.9), dbSNP rs1950619446, ClinGen allele CA384370056.

ClinVar aggregate classification (germline): Uncertain significance (1 of 4 stars; one submission).

Conditions:
Charcot-Marie-Tooth disease type 4. Also called: Charcot-Marie-Tooth disease, type IV; Charcot-Marie-Tooth, Type 4. Identifiers: Orphanet 64749, MedGen C4082197, MONDO:0018995.

Submission:

Labcorp Genetics (formerly Invitae), Labcorp
Classification: Uncertain significance for Charcot-Marie-Tooth disease type 4. Last evaluated: 2022-06-03. Review status: criteria provided, single submitter. Criteria: Invitae Variant Classification Sherloc (09022015). Collection method: clinical testing. Allele origin: germline.
Comment: In summary, the available evidence is currently insufficient to determine the role of this variant in disease. Therefore, it has been classified as a Variant of Uncertain Significance. Algorithms developed to predict the effect of missense changes on protein structure and function are either unavailable or do not agree on the potential impact of this missense change (SIFT: "Deleterious"; PolyPhen-2: "Benign"; Align-GVGD: "Class C65"). ClinVar contains an entry for this variant (Variation ID: 953577). This variant has not been reported in the literature in individuals affected with FGD4-related conditions. This variant is not present in population databases (gnomAD no frequency). This sequence change replaces aspartic acid, which is acidic and polar, with alanine, which is neutral and non-polar, at codon 613 of the FGD4 protein (p.Asp613Ala).